The following is an entry in ClinVar:

ClinVar aggregate classification (germline): Uncertain significance. Review status: criteria provided, multiple submitters, no conflicts (2 of 4 stars). 3 submissions from 3 submitters: Uncertain significance (3). Last evaluated 2024-11-25.

Conditions:
Inborn genetic diseases. Identifiers: MedGen C0950123, MeSH D030342.

Allele frequency attached by ClinVar (database versions not stated): ExAC 0.00001; gnomAD 0.00001; gnomAD exomes 0.00001; TOPMed 0.00002.
gnomAD v4.1: 19 of 1,610,780 alleles (0.0012%); highest among the groups gnomAD compares: Admixed American, 0.013%; no homozygotes.

Submissions (3):

Ambry Genetics
Classification: Uncertain significance for Inborn genetic diseases. Last evaluated: 2024-11-25. Review status: criteria provided, single submitter. Criteria: Ambry Variant Classification Scheme 2023. Collection method: clinical testing. Allele origin: germline.

Blueprint Genetics
Classification: Uncertain significance. Last evaluated: 2024-11-01. Review status: criteria provided, single submitter. Criteria: ACMG Guidelines, 2015. Collection method: clinical testing. Allele origin: germline.

Labcorp Genetics (formerly Invitae), Labcorp
Classification: Uncertain significance. Last evaluated: 2022-07-15. Review status: criteria provided, single submitter. Criteria: Invitae Variant Classification Sherloc (09022015). Collection method: clinical testing. Allele origin: germline.
Comment: This sequence change replaces arginine, which is basic and polar, with histidine, which is basic and polar, at codon 746 of the PTPN23 protein (p.Arg746His). This variant is present in population databases (rs779157070, gnomAD 0.02%). This variant has not been reported in the literature in individuals affected with PTPN23-related conditions. Algorithms developed to predict the effect of missense changes on protein structure and function are either unavailable or do not agree on the potential impact of this missense change (SIFT: "Tolerated"; PolyPhen-2: "Not Available"; Align-GVGD: "Class C0"). In summary, the available evidence is currently insufficient to determine the role of this variant in disease. Therefore, it has been classified as a Variant of Uncertain Significance.

NM_015466.4(PTPN23):c.2237G>A (p.Arg746His)

Gene: PTPN23 (protein tyrosine phosphatase non-receptor type 23; plus strand). Cytogenetic location: 3p21.31.
Variant type: single nucleotide variant.
Coding change: c.2237G>A on transcript NM_015466.4 (MANE Select); coding-DNA position 2237, G replaced by A.
Protein change: p.Arg746His; replaces arginine 746 with histidine.
Molecular consequence: missense variant.
Genome position (GRCh38, 1-based): chr3:47,410,035, G>A. VCF-style: chr3-47410035-G-A. GRCh37 (hg19) VCF-style: chr3-47451525-G-A.
Other names: c.2237G>A (NM_015466.2); c.1859G>A, p.Arg620His (NM_001304482.2); short protein forms R746H, R620H.
Identifiers: ClinVar variation 2172972 (VCV002172972.3), dbSNP rs779157070, ClinGen allele CA2365983.